The following is an entry in ClinVar:

NM_001126108.2(SLC12A3):c.675C>T (p.Phe225=)

Gene: SLC12A3 (solute carrier family 12 member 3; plus strand). Cytogenetic location: 16q13.
Variant type: single nucleotide variant.
Coding change: c.675C>T on transcript NM_001126108.2 (MANE Select); coding-DNA position 675, C replaced by T.
Protein change: p.Phe225=; no amino-acid change (phenylalanine 225 retained).
Molecular consequence: synonymous variant.
Genome position (GRCh38, 1-based): chr16:56,870,169, C>T. VCF-style: chr16-56870169-C-T. GRCh37 (hg19) VCF-style: chr16-56904081-C-T.
Other names: c.675C>T (NM_000339.2); c.675C>T, p.Phe225= (NM_000339.3); c.672C>T, p.Phe224= (NM_001126107.2).
Identifiers: ClinVar variation 1139468 (VCV001139468.11), dbSNP rs369387970, ClinGen allele CA8069140.
Genomic context (GRCh38, chr16:56,870,169, plus strand): 5'-CCTCATCTCCCGGAGTCTGGGCCCAGAGCTTGGGGGCTCCATCGGCCTCATTTTCGCTTT[C>T]GCCAATGCCGTGGGTGTGGCCATGCACACGGTGGGCTTTGCAGAGACCGTGCGGGACCTG-3'
Protein context (NP_001119580.2, residues 215-235): LGGSIGLIFA[Phe225=]ANAVGVAMHT

ClinVar aggregate classification (germline): Likely benign. Review status: criteria provided, multiple submitters, no conflicts (2 of 4 stars). 3 submissions from 3 submitters: Likely benign (3). Last evaluated 2026-04-27.

Conditions:
SLC12A3-related disorder. Also called: SLC12A3-related condition.

Allele frequency attached by ClinVar (database versions not stated): TOPMed 0.00005; gnomAD exomes 0.00006 and 0.00003; ExAC 0.00007; gnomAD 0.00007; ESP Exome Variant Server 0.00015; 1000 Genomes Project 30x 0.00016; 1000 Genomes Project 0.00020.
gnomAD v4.1: 60 of 1,614,058 alleles (0.0037%); highest among the groups gnomAD compares: Middle Eastern, 0.016%; no homozygotes.

Submissions (3):

PreventionGenetics, part of Exact Sciences
Classification: Likely benign for SLC12A3-related condition. Last evaluated: 2026-04-27. Review status: criteria provided, single submitter. Criteria: ACMG Guidelines, 2015. Collection method: clinical testing. Allele origin: germline.
Comment: This variant is classified as likely benign based on ACMG/AMP sequence variant interpretation guidelines (Richards et al. 2015 PMID: 25741868, with internal and published modifications).

Labcorp Genetics (formerly Invitae), Labcorp
Classification: Likely benign. Last evaluated: 2025-11-22. Review status: criteria provided, single submitter. Criteria: Invitae Variant Classification Sherloc (09022015). Collection method: clinical testing. Allele origin: germline.

Blueprint Genetics
Classification: Likely benign. Last evaluated: 2024-08-19. Review status: criteria provided, single submitter. Criteria: ACMG Guidelines, 2015. Collection method: clinical testing. Allele origin: germline.